The following is an entry in ClinVar:

NM_032043.3(BRIP1):c.869G>A (p.Gly290Asp)

Gene: BRIP1 (BRCA1 interacting DNA helicase 1; minus strand). Cytogenetic location: 17q23.2.
Variant type: single nucleotide variant.
Coding change: c.869G>A on transcript NM_032043.3 (MANE Select); coding-DNA position 869, G replaced by A.
Protein change: p.Gly290Asp; replaces glycine 290 with aspartic acid.
Molecular consequence: missense variant.
Genome position (GRCh38, 1-based): chr17:61,808,516, C>T on the plus strand (G>A on the coding strand, the complement: BRIP1 is on the minus strand). VCF-style: chr17-61808516-C-T. GRCh37 (hg19) VCF-style: chr17-59885877-C-T.
Other names: short protein forms G290D.
Identifiers: ClinVar variation 479474 (VCV000479474.18), dbSNP rs148556781, ClinGen allele CA292287764.
Genomic context (GRCh38, chr17:61,808,516, plus strand): 5'-ACTTTACTCACGTTTTTCCCATCTAGCAATTCCATGCACTTCTCATTTCTGTTGAAGTTA[C>T]CGACTACCTCAGGATGGACACAAGTATGATCCCTGCTGGAAAGAATAGTCATTGGAACCC-3'
Protein context (NP_114432.2, residues 280-300): DHTCVHPEVV[Gly290Asp]NFNRNEKCME

ClinVar aggregate classification (germline): Uncertain significance. Review status: criteria provided, multiple submitters, no conflicts (2 of 4 stars). 2 submissions from 2 submitters: Uncertain significance (2). Last evaluated 2025-10-20.

Conditions:
Hereditary cancer-predisposing syndrome. Also called: Tumor predisposition; Neoplastic Syndromes, Hereditary; Hereditary Cancer Syndrome; Hereditary neoplastic syndrome. Identifiers: Orphanet 140162, MedGen C0027672, MeSH D009386, MONDO:0015356.
Fanconi anemia complementation group J. Also called: BRIP1-Related Fanconi Anemia. Identifiers: Orphanet 84, MedGen C1836860, MONDO:0012187, OMIM 609054.
Familial cancer of breast. Also called: BREAST CANCER, FAMILIAL; Hereditary breast cancer; hereditary breast carcinoma. Identifiers: Orphanet 227535, MedGen C0346153, MONDO:0016419, OMIM 114480. Disease mechanism: loss of function.

Allele frequency attached by ClinVar (database versions not stated): gnomAD exomes below 0.00001; TOPMed below 0.00001; gnomAD 0.00001; ESP Exome Variant Server 0.00008.
gnomAD v4.1: 2 of 1,613,646 alleles (0.00012%); highest among the groups gnomAD compares: African/African-American, 0.0027%; no homozygotes.

Submissions (2):

Labcorp Genetics (formerly Invitae), Labcorp
Classification: Uncertain significance for Familial cancer of breast; Fanconi anemia complementation group J. Last evaluated: 2025-10-20. Review status: criteria provided, single submitter. Criteria: Invitae Variant Classification Sherloc (09022015). Collection method: clinical testing. Allele origin: germline.
Comment: This sequence change replaces glycine, which is neutral and non-polar, with aspartic acid, which is acidic and polar, at codon 290 of the BRIP1 protein (p.Gly290Asp). This variant is present in population databases (rs148556781, gnomAD 0.01%). This variant has not been reported in the literature in individuals affected with BRIP1-related conditions. ClinVar contains an entry for this variant (Variation ID: 479474). Invitae Evidence Modeling of protein sequence and biophysical properties (such as structural, functional, and spatial information, amino acid conservation, physicochemical variation, residue mobility, and thermodynamic stability) indicates that this missense variant is not expected to disrupt BRIP1 protein function with a negative predictive value of 95%. In summary, the available evidence is currently insufficient to determine the role of this variant in disease. Therefore, it has been classified as a Variant of Uncertain Significance.

Ambry Genetics
Classification: Uncertain significance for Hereditary cancer-predisposing syndrome. Last evaluated: 2025-03-05. Review status: criteria provided, single submitter. Criteria: Ambry Variant Classification Scheme 2023. Collection method: clinical testing. Allele origin: germline.
Comment: The p.G290D variant (also known as c.869G>A), located in coding exon 6 of the BRIP1 gene, results from a G to A substitution at nucleotide position 869. The glycine at codon 290 is replaced by aspartic acid, an amino acid with similar properties. This amino acid position is not well conserved in available vertebrate species. In addition, this alteration is predicted to be tolerated by in silico analysis. Since supporting evidence is limited at this time, the clinical significance of this alteration remains unclear.